The following is an entry in ClinVar:

NM_017635.5(KMT5B):c.1380G>C (p.Arg460=)

Gene: KMT5B (lysine methyltransferase 5B; minus strand). Cytogenetic location: 11q13.2.
Variant type: single nucleotide variant.
Coding change: c.1380G>C on transcript NM_017635.5 (MANE Select); coding-DNA position 1380, G replaced by C.
Protein change: p.Arg460=; no amino-acid change (arginine 460 retained).
Molecular consequence: synonymous variant.
Genome position (GRCh38, 1-based): chr11:68,158,966, C>G on the plus strand (G>C on the coding strand, the complement: KMT5B is on the minus strand). VCF-style: chr11-68158966-C-G. GRCh37 (hg19) VCF-style: chr11-67926433-C-G.
Other names: c.864G>C, p.Arg288= (NM_001300907.1, NM_001369428.1, NM_001369429.1 and 4 more transcripts); c.660G>C, p.Arg220= (NM_001300908.2); c.1380G>C, p.Arg460= (NM_001369426.1).
Identifiers: ClinVar variation 3067739 (VCV003067739.21), dbSNP rs2496206717, ClinGen allele CA475515059.
Genomic context (GRCh38, chr11:68,158,966, plus strand): 5'-AGGCTCTTTCAGTACTAAGTTTCCCATTTCGAGTTTTCTTGAAGCATTCTTTTGCTCCAG[C>G]CGCTTGCAATGATTTCTCAATTTTATCTTTGAAAGTAAAGGCTTTGCAGGCTTCTTCAGT-3'
Protein context (NP_060105.3, residues 450-470): SKIKLRNHCK[Arg460=]LEQKNASRKL

ClinVar aggregate classification (germline): Likely benign (1 of 4 stars; one submission).

Submission:

CeGaT Center for Human Genetics Tuebingen
Classification: Likely benign. Last evaluated: 2024-03-01. Review status: criteria provided, single submitter. Criteria: CeGaT Center For Human Genetics Tuebingen Variant Classification Criteria Version 2. Collection method: clinical testing. Allele origin: germline. Affected: yes. Observed: 1 variant allele.
Comment: KMT5B: PM2:Supporting, BP4, BP7